The following is an entry in ClinVar:

ClinVar aggregate classification (germline): Uncertain significance (1 of 4 stars; one submission).

Submission:

Ambry Genetics
Classification: Uncertain significance. Last evaluated: 2022-06-11. Review status: criteria provided, single submitter. Criteria: Ambry Variant Classification Scheme 2023. Collection method: clinical testing. Allele origin: germline.
Comment: The p.H1457P variant (also known as c.4370A>C), located in coding exon 39 of the KIF1B gene, results from an A to C substitution at nucleotide position 4370. The histidine at codon 1457 is replaced by proline, an amino acid with similar properties. This amino acid position is conserved. In addition, this alteration is predicted to be deleterious by in silico analysis. Since supporting evidence is limited at this time, the clinical significance of this alteration remains unclear.

NM_001365951.3(KIF1B):c.4508A>C (p.His1503Pro)

Gene: KIF1B (kinesin family member 1B; plus strand). Cytogenetic location: 1p36.22.
Variant type: single nucleotide variant.
Coding change: c.4508A>C on transcript NM_001365951.3 (MANE Select); coding-DNA position 4508, A replaced by C.
Protein change: p.His1503Pro; replaces histidine 1503 with proline.
Molecular consequence: missense variant.
Genome position (GRCh38, 1-based): chr1:10,365,241, A>C. VCF-style: chr1-10365241-A-C. GRCh37 (hg19) VCF-style: chr1-10425299-A-C.
Other names: c.4508A>C, p.His1503Pro (NM_001365952.1); c.4370A>C, p.His1457Pro (NM_015074.3); short protein forms H1503P, H1457P.
Identifiers: ClinVar variation 1740088 (VCV001740088.2), dbSNP rs1224742258, ClinGen allele CA338321235.